The following is an entry in ClinVar:

NM_032444.4(SLX4):c.2416G>C (p.Glu806Gln)

Gene: SLX4 (SLX4 structure-specific endonuclease subunit; minus strand). Cytogenetic location: 16p13.3.
Variant type: single nucleotide variant.
Coding change: c.2416G>C on transcript NM_032444.4 (MANE Select); coding-DNA position 2416, G replaced by C.
Protein change: p.Glu806Gln; replaces glutamic acid 806 with glutamine.
Molecular consequence: missense variant.
Genome position (GRCh38, 1-based): chr16:3,591,222, C>G on the plus strand (G>C on the coding strand, the complement: SLX4 is on the minus strand). VCF-style: chr16-3591222-C-G. GRCh37 (hg19) VCF-style: chr16-3641223-C-G.
Other names: c.2416G>C (NM_032444.3); short protein forms E806Q.
Identifiers: ClinVar variation 1963905 (VCV001963905.7), dbSNP rs763974942, ClinGen allele CA7866156.

ClinVar aggregate classification (germline): Uncertain significance. Review status: criteria provided, multiple submitters, no conflicts (2 of 4 stars). 2 submissions from 2 submitters: Uncertain significance (2). Last evaluated 2023-08-25.

Conditions:
Fanconi anemia (FA). Also called: Fanconi's anemia. Identifiers: Orphanet 84, MedGen C0015625, MeSH D005199, MONDO:0019391.

Allele frequency attached by ClinVar (database versions not stated): ExAC 0.00001; gnomAD 0.00001; gnomAD exomes 0.00001; TOPMed 0.00001.
gnomAD v4.1: 4 of 1,613,750 alleles (0.00025%); highest among the groups gnomAD compares: Non-Finnish European, 0.00034%; no homozygotes.

Submissions (2):

Genetic Services Laboratory, University of Chicago
Classification: Uncertain significance. Last evaluated: 2023-08-25. Review status: criteria provided, single submitter. Criteria: ACMG Guidelines, 2015. Collection method: clinical testing. Allele origin: germline. Affected: no.
Comment: DNA sequence analysis of the SLX4 gene demonstrated a sequence change, c.2416G>C, in exon 12 that results in an amino acid change, p.Glu806Gln. This sequence change has been described in the gnomAD database in 2 individuals of European (non-Finnish) descent which corresponds to a population frequency of 0.002% (dbSNP rs763974942). The p.Glu806Gln change affects a moderately conserved amino acid residue located in a domain of the SLX4 protein that is not known to be functional. The p.Glu806Gln substitution appears to be benign/possibly benign using several in-silico pathogenicity prediction tools (SIFT, PolyPhen2, Align GVGD, REVEL). Due to insufficient evidences and the lack of functional studies, the clinical significance of the p.Glu806Gln change remains unknown at this time.

Labcorp Genetics (formerly Invitae), Labcorp
Classification: Uncertain significance for Fanconi anemia. Last evaluated: 2022-06-03. Review status: criteria provided, single submitter. Criteria: Invitae Variant Classification Sherloc (09022015). Collection method: clinical testing. Allele origin: germline.
Comment: In summary, the available evidence is currently insufficient to determine the role of this variant in disease. Therefore, it has been classified as a Variant of Uncertain Significance. Algorithms developed to predict the effect of missense changes on protein structure and function are either unavailable or do not agree on the potential impact of this missense change (SIFT: "Tolerated"; PolyPhen-2: "Possibly Damaging"; Align-GVGD: "Class C0"). This variant has not been reported in the literature in individuals affected with SLX4-related conditions. This variant is present in population databases (rs763974942, gnomAD 0.002%). This sequence change replaces glutamic acid, which is acidic and polar, with glutamine, which is neutral and polar, at codon 806 of the SLX4 protein (p.Glu806Gln).